The following is an entry in ClinVar:

ClinVar aggregate classification (germline): Uncertain significance (1 of 4 stars; one submission).

Conditions:
Fanconi anemia (FA). Also called: Fanconi's anemia. Identifiers: Orphanet 84, MedGen C0015625, MeSH D005199, MONDO:0019391.

Allele frequency attached by ClinVar (database versions not stated): gnomAD exomes 0.00001.
gnomAD v4.1: 83 of 1,613,852 alleles (0.0051%); highest among the groups gnomAD compares: Non-Finnish European, 0.0069%; 1 homozygote.

Submission:

Labcorp Genetics (formerly Invitae), Labcorp
Classification: Uncertain significance for Fanconi anemia. Last evaluated: 2021-08-24. Review status: criteria provided, single submitter. Criteria: Invitae Variant Classification Sherloc (09022015). Collection method: clinical testing. Allele origin: germline.
Comment: This sequence change replaces serine with alanine at codon 505 of the FANCA protein (p.Ser505Ala). The serine residue is highly conserved and there is a moderate physicochemical difference between serine and alanine. This variant is not present in population databases (ExAC no frequency). This variant has not been reported in the literature in individuals affected with FANCA-related conditions. Advanced modeling of protein sequence and biophysical properties (such as structural, functional, and spatial information, amino acid conservation, physicochemical variation, residue mobility, and thermodynamic stability) performed at Invitae indicates that this missense variant is not expected to disrupt FANCA protein function. In summary, the available evidence is currently insufficient to determine the role of this variant in disease. Therefore, it has been classified as a Variant of Uncertain Significance.

NM_000135.4(FANCA):c.1513T>G (p.Ser505Ala)

Gene: FANCA (FA complementation group A; minus strand). Cytogenetic location: 16q24.3.
Variant type: single nucleotide variant.
Coding change: c.1513T>G on transcript NM_000135.4 (MANE Select); coding-DNA position 1513, T replaced by G.
Protein change: p.Ser505Ala; replaces serine 505 with alanine.
Molecular consequence: missense variant.
Genome position (GRCh38, 1-based): chr16:89,783,060, A>C on the plus strand (T>G on the coding strand, the complement: FANCA is on the minus strand). VCF-style: chr16-89783060-A-C. GRCh37 (hg19) VCF-style: chr16-89849468-A-C.
Other names: c.1513T>G, p.Ser505Ala (NM_001286167.3); short protein forms S505A.
Identifiers: ClinVar variation 1382105 (VCV001382105.5), dbSNP rs1218121624, ClinGen allele CA397458155.